The following is an entry in ClinVar:

NM_000540.3(RYR1):c.9848G>C (p.Arg3283Pro)

Gene: RYR1 (ryanodine receptor 1; plus strand). Cytogenetic location: 19q13.2.
Variant type: single nucleotide variant.
Coding change: c.9848G>C on transcript NM_000540.3 (MANE Select); coding-DNA position 9848, G replaced by C.
Protein change: p.Arg3283Pro; replaces arginine 3283 with proline.
Molecular consequence: missense variant.
Genome position (GRCh38, 1-based): chr19:38,517,521, G>C. VCF-style: chr19-38517521-G-C. GRCh37 (hg19) VCF-style: chr19-39008161-G-C.
Other names: c.9848G>C, p.Arg3283Pro (NM_001042723.2); short protein forms R3283P.
Identifiers: ClinVar variation 4802129 (VCV004802129.2).

ClinVar aggregate classification (germline): Uncertain significance. Review status: criteria provided, multiple submitters, no conflicts (2 of 4 stars). 2 submissions from 2 submitters: Uncertain significance (2). Last evaluated 2026-03-10.

Conditions:
RYR1-related disorder. Also called: RYR1-related disorders; RYR1-related condition. Identifiers: MedGen CN239331.

Submissions (2):

GeneDx
Classification: Uncertain significance. Last evaluated: 2026-03-10. Review status: criteria provided, single submitter. Criteria: GeneDx Variant Classification Process June 2021. Collection method: clinical testing. Allele origin: germline.
Comment: Not observed at significant frequency in large population cohorts (gnomAD); In silico analysis supports that this missense variant has a deleterious effect on protein structure/function; Has not been previously published as pathogenic or benign to our knowledge

Labcorp Genetics (formerly Invitae), Labcorp
Classification: Uncertain significance for RYR1-related disorder. Last evaluated: 2025-11-08. Review status: criteria provided, single submitter. Criteria: Invitae Variant Classification Sherloc (09022015). Collection method: clinical testing. Allele origin: germline.
Comment: This sequence change replaces arginine, which is basic and polar, with proline, which is neutral and non-polar, at codon 3283 of the RYR1 protein (p.Arg3283Pro). This variant is not present in population databases (gnomAD no frequency). This variant has not been reported in the literature in individuals affected with RYR1-related conditions. Invitae Evidence Modeling of protein sequence and biophysical properties (such as structural, functional, and spatial information, amino acid conservation, physicochemical variation, residue mobility, and thermodynamic stability) indicates that this missense variant is not expected to disrupt RYR1 protein function with a negative predictive value of 80%. In summary, the available evidence is currently insufficient to determine the role of this variant in disease. Therefore, it has been classified as a Variant of Uncertain Significance.